The following is an entry in ClinVar:

NM_001728.4(BSG):c.543C>T (p.Asp181=)

Gene: BSG (basigin (Ok blood group); plus strand). Cytogenetic location: 19p13.3.
Variant type: single nucleotide variant.
Coding change: c.543C>T on transcript NM_001728.4 (MANE Select); coding-DNA position 543, C replaced by T.
Protein change: p.Asp181=; no amino-acid change (aspartic acid 181 retained).
Molecular consequence: synonymous variant. On other transcripts: 5 prime UTR variant (1), intron variant (1).
Genome position (GRCh38, 1-based): chr19:579,627, C>T. VCF-style: chr19-579627-C-T. GRCh37 (hg19) VCF-style: chr19-579627-C-T.
Other names: c.195C>T, p.Asp65= (NM_001322243.2, NM_198589.3); c.-85C>T (NM_198590.3); c.-55-752C>T (NM_198591.4).
Identifiers: ClinVar variation 3059371 (VCV003059371.2), dbSNP rs1803202, ClinGen allele CA9017806.

ClinVar aggregate classification (germline): Benign (0 of 4 stars; one submission).

Conditions:
BSG-related disorder. Also called: BSG-related condition.

Allele frequency attached by ClinVar (database versions not stated): gnomAD exomes 0.10899; ESP Exome Variant Server 0.12379; TOPMed 0.13292; gnomAD 0.13827; ExAC 0.14613; 1000 Genomes Project 30x 0.18442; 1000 Genomes Project 0.18870.
gnomAD v4.1: 181,305 of 1,611,332 alleles (11%); highest among the groups gnomAD compares: South Asian, 27%; 12,594 homozygotes.

Submission:

PreventionGenetics, part of Exact Sciences
Classification: Benign for BSG-related condition. Last evaluated: 2019-10-31. Review status: no assertion criteria provided. Collection method: clinical testing. Allele origin: germline.
Comment: This variant is classified as benign based on ACMG/AMP sequence variant interpretation guidelines (Richards et al. 2015 PMID: 25741868, with internal and published modifications).